The following is an entry in ClinVar:

NM_000553.6(WRN):c.4191G>T (p.Glu1397Asp)

Gene: WRN (WRN RecQ like helicase; plus strand). Cytogenetic location: 8p12.
Variant type: single nucleotide variant.
Coding change: c.4191G>T on transcript NM_000553.6 (MANE Select); coding-DNA position 4191, G replaced by T.
Protein change: p.Glu1397Asp; replaces glutamic acid 1397 with aspartic acid.
Molecular consequence: missense variant.
Genome position (GRCh38, 1-based): chr8:31,167,230, G>T. VCF-style: chr8-31167230-G-T. GRCh37 (hg19) VCF-style: chr8-31024746-G-T.
Other names: short protein forms E1397D.
Identifiers: ClinVar variation 2193682 (VCV002193682.4), dbSNP rs369276959, ClinGen allele CA370910160.

ClinVar aggregate classification (germline): Uncertain significance (1 of 4 stars; one submission).

Conditions:
Werner syndrome (WRN). Identifiers: Orphanet 902, MedGen C0043119, MONDO:0010196, OMIM 277700.

gnomAD v4.1: 3 of 1,609,610 alleles (0.00019%); highest among the groups gnomAD compares: East Asian, 0.0022%; no homozygotes.

Submission:

Labcorp Genetics (formerly Invitae), Labcorp
Classification: Uncertain significance for Werner syndrome. Last evaluated: 2022-04-16. Review status: criteria provided, single submitter. Criteria: Invitae Variant Classification Sherloc (09022015). Collection method: clinical testing. Allele origin: germline.
Comment: This variant has not been reported in the literature in individuals affected with WRN-related conditions. In summary, the available evidence is currently insufficient to determine the role of this variant in disease. Therefore, it has been classified as a Variant of Uncertain Significance. Variants that disrupt the consensus splice site are a relatively common cause of aberrant splicing (PMID: 17576681, 9536098). Studies have shown that this missense change is associated with altered splicing resulting in multiple RNA products (Invitae). Algorithms developed to predict the effect of missense changes on protein structure and function are either unavailable or do not agree on the potential impact of this missense change (SIFT: "Not Available"; PolyPhen-2: "Benign"; Align-GVGD: "Not Available"). This variant is not present in population databases (gnomAD no frequency). This sequence change replaces glutamic acid, which is acidic and polar, with aspartic acid, which is acidic and polar, at codon 1397 of the WRN protein (p.Glu1397Asp). This variant also falls at the last nucleotide of exon 34, which is part of the consensus splice site for this exon.

Literature cited by the submitters: PubMed 17576681; PubMed 9536098.